The following is an entry in ClinVar:

NM_001130009.3(GEN1):c.2307A>T (p.Arg769Ser)

Gene: GEN1 (GEN1 structure-specific endonuclease; plus strand). Cytogenetic location: 2p24.2.
Variant type: single nucleotide variant.
Coding change: c.2307A>T on transcript NM_001130009.3 (MANE Select); coding-DNA position 2307, A replaced by T.
Protein change: p.Arg769Ser; replaces arginine 769 with serine.
Molecular consequence: missense variant.
Genome position (GRCh38, 1-based): chr2:17,781,519, A>T. VCF-style: chr2-17781519-A-T. GRCh37 (hg19) VCF-style: chr2-17962786-A-T.
Other names: c.2307A>T, p.Arg769Ser (NM_182625.5); short protein forms R769S.
Identifiers: ClinVar variation 3853635 (VCV003853635.2).
Genomic context (GRCh38, chr2:17,781,519, plus strand): 5'-AGTCAATACTTCTGTCCCTTATTCTGTCAGTAACACAGTGGTAAAGACCTGCAATGTTAG[A>T]CCACCAAATACTGCTTTAGATCATAGTAGAAAAGTTGATATGCAAACCACTCGGAAAATT-3'
Protein context (NP_001123481.3, residues 759-779): SNTVVKTCNV[Arg769Ser]PPNTALDHSR

ClinVar aggregate classification (germline): Uncertain significance (1 of 4 stars; one submission).

gnomAD v4.1: 3 of 1,613,722 alleles (0.00019%); highest among the groups gnomAD compares: Non-Finnish European, 0.00025%; no homozygotes.

Submission:

Ambry Genetics
Classification: Uncertain significance. Last evaluated: 2025-10-16. Review status: criteria provided, single submitter. Criteria: Ambry Variant Classification Scheme 2023. Collection method: clinical testing. Allele origin: germline.
Comment: The p.R769S variant (also known as c.2307A>T), located in coding exon 13 of the GEN1 gene, results from an A to T substitution at nucleotide position 2307. The arginine at codon 769 is replaced by serine, an amino acid with dissimilar properties. This amino acid position is conserved. In addition, this alteration is predicted to be tolerated by in silico analysis. Based on the available evidence, the clinical significance of this variant remains unclear.